The following is an entry in ClinVar:

NM_006565.4(CTCF):c.2170A>G (p.Met724Val)

Gene: CTCF (CCCTC-binding factor; plus strand). Cytogenetic location: 16q22.1.
Variant type: single nucleotide variant.
Coding change: c.2170A>G on transcript NM_006565.4 (MANE Select); coding-DNA position 2170, A replaced by G.
Protein change: p.Met724Val; replaces methionine 724 with valine.
Molecular consequence: missense variant.
Genome position (GRCh38, 1-based): chr16:67,637,858, A>G. VCF-style: chr16-67637858-A-G. GRCh37 (hg19) VCF-style: chr16-67671761-A-G.
Other names: c.1186A>G, p.Met396Val (NM_001191022.2); c.2164A>G, p.Met722Val (NM_001363916.2, NM_001438969.1); c.2170A>G, p.Met724Val (NM_001438968.1); short protein forms M396V, M722V, M724V.
Identifiers: ClinVar variation 4885953 (VCV004885953.2).

ClinVar aggregate classification (germline): Uncertain significance (1 of 4 stars; one submission).

Submission:

Dasa
Classification: Uncertain significance. Last evaluated: 2025-02-27. Review status: criteria provided, single submitter. Criteria: DASA Assertion Criteria. Collection method: clinical testing. Allele origin: germline.
Comment: NM_006565.4(CTCF):c.2170A>G (p.Met724Val) is a missense variant that results in the substitution of methionine with valine. This variant is absent from population databases. Computational prediction algorithms are consistent with a benign effect. The currently available literature and clinical evidence are not sufficient to establish a definitive association between this variant and the reported condition. Therefore, this variant is classified as a variant of uncertain significance.